The following is an entry in ClinVar:

ClinVar aggregate classification (germline): Pathogenic. Review status: criteria provided, single submitter (1 of 4 stars). 2 submissions from 2 submitters: Pathogenic (1). 1 of the submissions does not count toward it. Last evaluated 2021-11-01.

Conditions:
Congenital myopathy 10b, mild variant. Also called: Myopathy, areflexia, respiratory distress, and dysphagia, early-onset, mild variant. Identifiers: MedGen C3541476, MONDO:0859515, OMIM 620249.
MEGF10-related myopathy (CMYO10A). Also called: Congenital myopathy 10A, severe variant. Identifiers: Orphanet 439212, MedGen C3280679, MONDO:0013731, OMIM 614399.

Submissions (2):

Labcorp Genetics (formerly Invitae), Labcorp
Classification: Pathogenic for MEGF10-related myopathy. Last evaluated: 2021-11-01. Review status: criteria provided, single submitter. Criteria: Invitae Variant Classification Sherloc (09022015). Collection method: clinical testing. Allele origin: germline.
Comment: For these reasons, this variant has been classified as Pathogenic. Experimental studies have shown that this missense change affects MEGF10 function (PMID: 23954233). Algorithms developed to predict the effect of missense changes on protein structure and function (SIFT, PolyPhen-2, Align-GVGD) all suggest that this variant is likely to be disruptive. ClinVar contains an entry for this variant (Variation ID: 30966). This missense change has been observed in individual(s) with congenital myopathy (PMID: 22371254). In at least one individual the data is consistent with the variant being in trans (on the opposite chromosome) from a pathogenic variant. It has also been observed to segregate with disease in related individuals. This variant is not present in population databases (gnomAD no frequency). This sequence change replaces cysteine, which is neutral and slightly polar, with arginine, which is basic and polar, at codon 326 of the MEGF10 protein (p.Cys326Arg).

OMIM
Classification: Pathogenic for CONGENITAL MYOPATHY 10B, MILD VARIANT. Last evaluated: 2012-05-01. Review status: no assertion criteria provided. Collection method: literature only. Allele origin: germline. Not counted in ClinVar's aggregate classification.

Literature cited by the submitters: PubMed 23954233 (cited by Labcorp Genetics (formerly Invitae), Labcorp); PubMed 22371254 (cited by Labcorp Genetics (formerly Invitae), Labcorp and OMIM).

NM_001256545.2(MEGF10):c.976T>C (p.Cys326Arg)

Gene: MEGF10 (multiple EGF like domains 10; plus strand). Cytogenetic location: 5q23.2.
Variant type: single nucleotide variant.
Coding change: c.976T>C on transcript NM_001256545.2 (MANE Select); coding-DNA position 976, T replaced by C.
Protein change: p.Cys326Arg; replaces cysteine 326 with arginine.
Molecular consequence: missense variant.
Genome position (GRCh38, 1-based): chr5:127,410,447, T>C. VCF-style: chr5-127410447-T-C. GRCh37 (hg19) VCF-style: chr5-126746139-T-C.
Other names: c.976T>C, p.Cys326Arg (NM_001308119.2, NM_001308121.2, NM_032446.3); short protein forms C326R.
Identifiers: ClinVar variation 30966 (VCV000030966.9), dbSNP rs387907073, ClinGen allele CA129574.